The following is an entry in ClinVar:

NM_001199799.2(ILDR1):c.1504C>G (p.Pro502Ala)

Gene: ILDR1 (immunoglobulin like domain containing receptor 1; minus strand). Cytogenetic location: 3q13.33.
Variant type: single nucleotide variant.
Coding change: c.1504C>G on transcript NM_001199799.2 (MANE Select); coding-DNA position 1504, C replaced by G.
Protein change: p.Pro502Ala; replaces proline 502 with alanine.
Molecular consequence: missense variant.
Genome position (GRCh38, 1-based): chr3:121,993,245, G>C on the plus strand (C>G on the coding strand, the complement: ILDR1 is on the minus strand). VCF-style: chr3-121993245-G-C. GRCh37 (hg19) VCF-style: chr3-121712092-G-C.
Other names: c.1237C>G, p.Pro413Ala (NM_001199800.2); c.1372C>G, p.Pro458Ala (NM_175924.4); c.1504C>G (NM_001199799.1); short protein forms P458A, P502A, P413A.
Identifiers: ClinVar variation 2158038 (VCV002158038.5), dbSNP rs778369601, ClinGen allele CA2568647.

ClinVar aggregate classification (germline): Uncertain significance. Review status: criteria provided, multiple submitters, no conflicts (2 of 4 stars). 3 submissions from 3 submitters: Uncertain significance (3). Last evaluated 2026-04-23.

Conditions:
Inborn genetic diseases. Identifiers: MedGen C0950123, MeSH D030342.

Allele frequency attached by ClinVar (database versions not stated): ExAC 0.00002; gnomAD 0.00007.
gnomAD v4.1: 273 of 1,613,780 alleles (0.017%); highest among the groups gnomAD compares: Non-Finnish European, 0.023%; no homozygotes.

Submissions (3):

GeneDx
Classification: Uncertain significance. Last evaluated: 2026-04-23. Review status: criteria provided, single submitter. Criteria: GeneDx Variant Classification Process June 2021. Collection method: clinical testing. Allele origin: germline.
Comment: In silico analysis suggests that this missense variant does not alter protein structure/function; Has not been previously published as pathogenic or benign to our knowledge

Labcorp Genetics (formerly Invitae), Labcorp
Classification: Uncertain significance. Last evaluated: 2022-11-01. Review status: criteria provided, single submitter. Criteria: Invitae Variant Classification Sherloc (09022015). Collection method: clinical testing. Allele origin: germline.
Comment: This variant is present in population databases (rs778369601, gnomAD 0.008%). This variant has not been reported in the literature in individuals affected with ILDR1-related conditions. Algorithms developed to predict the effect of missense changes on protein structure and function (SIFT, PolyPhen-2, Align-GVGD) all suggest that this variant is likely to be tolerated. In summary, the available evidence is currently insufficient to determine the role of this variant in disease. Therefore, it has been classified as a Variant of Uncertain Significance. This sequence change replaces proline, which is neutral and non-polar, with alanine, which is neutral and non-polar, at codon 502 of the ILDR1 protein (p.Pro502Ala).

Ambry Genetics
Classification: Uncertain significance for Inborn genetic diseases. Last evaluated: 2022-07-12. Review status: criteria provided, single submitter. Criteria: Ambry Variant Classification Scheme 2023. Collection method: clinical testing. Allele origin: germline.